The following is an entry in ClinVar:

NM_001318852.2(MAPK8IP3):c.2827G>A (p.Gly943Arg)

Gene: MAPK8IP3 (mitogen-activated protein kinase 8 interacting protein 3; plus strand). Cytogenetic location: 16p13.3.
Variant type: single nucleotide variant.
Coding change: c.2827G>A on transcript NM_001318852.2 (MANE Select); coding-DNA position 2827, G replaced by A.
Protein change: p.Gly943Arg; replaces glycine 943 with arginine.
Molecular consequence: missense variant.
Genome position (GRCh38, 1-based): chr16:1,766,536, G>A. VCF-style: chr16-1766536-G-A. GRCh37 (hg19) VCF-style: chr16-1816537-G-A.
Other names: c.2806G>A, p.Gly936Arg (NM_001040439.2); c.2824G>A, p.Gly942Arg (NM_015133.5); short protein forms G936R, G942R, G943R.
Identifiers: ClinVar variation 4281155 (VCV004281155.7).

ClinVar aggregate classification (germline): Likely benign (1 of 4 stars; one submission).

gnomAD v4.1: 24 of 1,611,490 alleles (0.0015%); highest among the groups gnomAD compares: Admixed American, 0.02%; no homozygotes.

Submission:

CeGaT Center for Human Genetics Tuebingen
Classification: Likely benign. Last evaluated: 2025-09-01. Review status: criteria provided, single submitter. Criteria: CeGaT Center For Human Genetics Tuebingen Variant Classification Criteria Version 2. Collection method: clinical testing. Allele origin: germline. Affected: yes. Observed: 1 variant allele.
Comment: MAPK8IP3: BP4, BS1